The following is an entry in ClinVar:

NM_001371986.1(UNC80):c.8528C>T (p.Ala2843Val)

Gene: UNC80 (unc-80 subunit of NALCN channel complex; plus strand). Cytogenetic location: 2q34.
Variant type: single nucleotide variant.
Coding change: c.8528C>T on transcript NM_001371986.1 (MANE Select); coding-DNA position 8528, C replaced by T.
Protein change: p.Ala2843Val; replaces alanine 2843 with valine.
Molecular consequence: missense variant.
Genome position (GRCh38, 1-based): chr2:209,973,211, C>T. VCF-style: chr2-209973211-C-T. GRCh37 (hg19) VCF-style: chr2-210837935-C-T.
Other names: c.8330C>T, p.Ala2777Val (NM_032504.2); c.8315C>T, p.Ala2772Val (NM_182587.4); short protein forms A2777V, A2772V, A2843V.
Identifiers: ClinVar variation 450474 (VCV000450474.55), dbSNP rs199561408, ClinGen allele CA2083570.

ClinVar aggregate classification (germline): Benign/Likely benign. Review status: criteria provided, multiple submitters, no conflicts (2 of 4 stars). 5 submissions from 5 submitters: Benign (1); Likely benign (3). 1 of the submissions does not count toward it. Last evaluated 2026-02-03.

Conditions:
UNC80-related disorder. Also called: UNC80-related condition.

Allele frequency attached by ClinVar (database versions not stated): TOPMed 0.00071; gnomAD exomes 0.00120 and 0.00063; ExAC 0.00169; ESP Exome Variant Server 0.00022; 1000 Genomes Project 30x 0.00031; 1000 Genomes Project 0.00040; gnomAD 0.00049 and 0.00050.
gnomAD v4.1: 1,006 of 1,551,592 alleles (0.065%); highest among the groups gnomAD compares: Middle Eastern, 0.43%; 4 homozygotes.

Submissions (5):

Labcorp Genetics (formerly Invitae), Labcorp
Classification: Benign. Last evaluated: 2026-02-03. Review status: criteria provided, single submitter. Criteria: Invitae Variant Classification Sherloc (09022015). Collection method: clinical testing. Allele origin: germline.

Blueprint Genetics
Classification: Likely benign. Last evaluated: 2024-11-14. Review status: criteria provided, single submitter. Criteria: ACMG Guidelines, 2015. Collection method: clinical testing. Allele origin: germline.

CeGaT Center for Human Genetics Tuebingen
Classification: Likely benign. Last evaluated: 2023-11-01. Review status: criteria provided, single submitter. Criteria: CeGaT Center For Human Genetics Tuebingen Variant Classification Criteria Version 2. Collection method: clinical testing. Allele origin: germline. Affected: yes. Observed: 2 variant alleles.
Comment: UNC80: PP2, BS2

GeneDx
Classification: Likely benign. Last evaluated: 2020-03-05. Review status: criteria provided, single submitter. Criteria: GeneDx Variant Classification Process June 2021. Collection method: clinical testing. Allele origin: germline. Affected: yes.
Comment: In silico analysis supports that this missense variant does not alter protein structure/function; Has not been previously published as pathogenic or benign to our knowledge

PreventionGenetics, part of Exact Sciences
Classification: Benign for UNC80-related condition. Last evaluated: 2019-08-07. Review status: no assertion criteria provided. Collection method: clinical testing. Allele origin: germline. Not counted in ClinVar's aggregate classification.
Comment: This variant is classified as benign based on ACMG/AMP sequence variant interpretation guidelines (Richards et al. 2015 PMID: 25741868, with internal and published modifications).